The following is an entry in ClinVar:

ClinVar aggregate classification (germline): Uncertain significance (1 of 4 stars; one submission).

Allele frequency attached by ClinVar (database versions not stated): gnomAD exomes below 0.00001.
gnomAD v4.1: 1 of 1,605,738 alleles (0.000062%); highest among the groups gnomAD compares: Non-Finnish European, 0.000085%; no homozygotes.

Submission:

GeneDx
Classification: Uncertain significance. Last evaluated: 2026-09-30. Review status: criteria provided, single submitter. Criteria: GeneDx Variant Classification Process June 2021. Collection method: clinical testing. Allele origin: germline.
Comment: Not observed at significant frequency in large population cohorts (gnomAD); In silico analysis supports that this missense variant has a deleterious effect on protein structure/function; Has not been previously published as pathogenic or benign to our knowledge

NM_000719.7(CACNA1C):c.1372G>A (p.Glu458Lys)

Gene: CACNA1C (calcium voltage-gated channel subunit alpha1 C; plus strand). Cytogenetic location: 12p13.33.
Variant type: single nucleotide variant.
Coding change: c.1372G>A on transcript NM_000719.7 (MANE Select); coding-DNA position 1372, G replaced by A.
Protein change: p.Glu458Lys; replaces glutamic acid 458 with lysine.
Molecular consequence: missense variant.
Genome position (GRCh38, 1-based): chr12:2,512,966, G>A. VCF-style: chr12-2512966-G-A. GRCh37 (hg19) VCF-style: chr12-2622132-G-A.
Other names: c.1372G>A, p.Glu458Lys (NM_001129827.2, NM_001129829.2, NM_001129830.3 and 18 more transcripts); c.1363G>A, p.Glu455Lys (NM_001129844.2); short protein forms E455K, E458K.
Identifiers: ClinVar variation 1723679 (VCV001723679.3), dbSNP rs1555701108, ClinGen allele CA383367245.